The following is an entry in ClinVar:

ClinVar aggregate classification (germline): Uncertain significance (1 of 4 stars; one submission).

gnomAD v4.1: 4 of 1,210,180 alleles (0.00033%); highest among the groups gnomAD compares: South Asian, 0.0035%; no homozygotes.

Submission:

Women's Health and Genetics/Laboratory Corporation of America, LabCorp
Classification: Uncertain significance. Last evaluated: 2024-10-23. Review status: criteria provided, single submitter. Criteria: LabCorp Variant Classification Summary - May 2015. Collection method: clinical testing. Allele origin: germline.
Comment: Variant summary: KCND1 c.721A>G (p.Ile241Val) results in a conservative amino acid change located in the Ion transport domain (IPR005821) of the encoded protein sequence. Three of five in-silico tools predict a benign effect of the variant on protein function. The variant allele was found at a frequency of 1.7e-05 in 178617 control chromosomes. The available data on variant occurrences in the general population are insufficient to allow any conclusion about variant significance. To our knowledge, no occurrence of c.721A>G in individuals affected with Neurodevelopmental Disorder and no experimental evidence demonstrating its impact on protein function have been reported. No submitters have cited clinical-significance assessments for this variant to ClinVar. Based on the evidence outlined above, the variant was classified as uncertain significance.

NM_004979.6(KCND1):c.721A>G (p.Ile241Val)

Gene: KCND1 (potassium voltage-gated channel subfamily D member 1; minus strand). Cytogenetic location: Xp11.23.
Variant type: single nucleotide variant.
Coding change: c.721A>G on transcript NM_004979.6 (MANE Select); coding-DNA position 721, A replaced by G.
Protein change: p.Ile241Val; replaces isoleucine 241 with valine.
Molecular consequence: missense variant.
Genome position (GRCh38, 1-based): chrX:48,969,551, T>C on the plus strand (A>G on the coding strand, the complement: KCND1 is on the minus strand). VCF-style: chrX-48969551-T-C. GRCh37 (hg19) VCF-style: chrX-48825958-T-C.
Other names: short protein forms I241V.
Identifiers: ClinVar variation 3385130 (VCV003385130.1).